The following is an entry in ClinVar:

ClinVar aggregate classification (germline): Pathogenic. Review status: criteria provided, multiple submitters, no conflicts (2 of 4 stars). 5 submissions from 5 submitters: Pathogenic (5). Last evaluated 2025-07-21.

Conditions:
Hypophosphatemic rickets. Identifiers: MedGen C1704375, MeSH D063730, MONDO:0024300, HP:0004912.
Familial X-linked hypophosphatemic vitamin D refractory rickets (XLHRD). Also called: Hypophosphatemia, vitamin D-resistant rickets; Vitamin D-resistant rickets, X-linked; X-Linked Hypophosphatemia; Hypophosphatemic Rickets, X-Linked Dominant; HYPOPHOSPHATEMIC VITAMIN D-RESISTANT RICKETS. Identifiers: Orphanet 89936, MedGen C0733682, MONDO:0010619, OMIM 307800.

Submissions (5):

Labcorp Genetics (formerly Invitae), Labcorp
Classification: Pathogenic. Last evaluated: 2025-07-21. Review status: criteria provided, single submitter. Criteria: Invitae Variant Classification Sherloc (09022015). Collection method: clinical testing. Allele origin: germline.
Comment: This sequence change replaces proline, which is neutral and non-polar, with leucine, which is neutral and non-polar, at codon 534 of the PHEX protein (p.Pro534Leu). This variant is not present in population databases (gnomAD no frequency). This missense change has been observed in individual(s) with PHEX-related conditions (PMID: 9097956, 18162710, 19219621, 22261628, 29460029, 29505567). It has also been observed to segregate with disease in related individuals. ClinVar contains an entry for this variant (Variation ID: 280076). Invitae Evidence Modeling of protein sequence and biophysical properties (such as structural, functional, and spatial information, amino acid conservation, physicochemical variation, residue mobility, and thermodynamic stability) indicates that this missense variant is expected to disrupt PHEX protein function with a positive predictive value of 80%. For these reasons, this variant has been classified as Pathogenic.

GeneDx
Classification: Pathogenic. Last evaluated: 2022-03-28. Review status: criteria provided, single submitter. Criteria: GeneDx Variant Classification Process June 2021. Collection method: clinical testing. Allele origin: germline. Affected: yes.
Comment: Not observed at significant frequency in large population cohorts (gnomAD); In silico analysis, which includes protein predictors and evolutionary conservation, supports a deleterious effect; This variant is associated with the following publications: (PMID: 24660072, 11502829, 20688626, 30298486, 22261628, 16055933, 29707405, 29460029, 25042154, 10439971, 14564077, 16636593, 21050253, 9768674, 19219621, 22101457, 22713460, 9097956, 9199930, 22695891, 18162710, 30599486, 30682568, 32104046, 32253725, 29505567, 34434907, 33639975, 32329911, 34141703, 27535533)

Laboratory of Cyto-molecular Genetics, Department of Anatomy, All India Institute of Medical Sciences (AIIMS), New Delhi
Classification: Pathogenic for Hypophosphatemic rickets. Last evaluated: 2022-03-07. Review status: criteria provided, single submitter. Criteria: ACMG Guidelines, 2015. Collection method: clinical testing. Allele origin: germline. Affected: yes. Observed: 4 variant alleles.
Comment: p.(Pro534Leu); missense variant

Mendelics
Classification: Pathogenic for Familial X-linked hypophosphatemic vitamin D refractory rickets. Last evaluated: 2019-05-28. Review status: criteria provided, single submitter. Criteria: Mendelics Assertion Criteria 2017. Collection method: clinical testing. Allele origin: unknown.

Institute of Human Genetics Munich, TUM University Hospital
Classification: Pathogenic for Familial X-linked hypophosphatemic vitamin D refractory rickets. Last evaluated: 2013-11-19. Review status: criteria provided, single submitter. Criteria: Classification criteria August 2017. Collection method: clinical testing. Allele origin: paternal, germline, maternal. Inheritance: X-linked inheritance. Affected: yes. Observed: 6 heterozygotes, 2 hemizygotes.

Literature cited by the submitters: PubMed 9097956 (cited by Labcorp Genetics (formerly Invitae), Labcorp); PubMed 18162710 (cited by Labcorp Genetics (formerly Invitae), Labcorp); PubMed 19219621 (cited by Labcorp Genetics (formerly Invitae), Labcorp); PubMed 22261628 (cited by Labcorp Genetics (formerly Invitae), Labcorp); PubMed 29460029 (cited by Labcorp Genetics (formerly Invitae), Labcorp); PubMed 29505567 (cited by Labcorp Genetics (formerly Invitae), Labcorp); PubMed 35738466 (cited by Laboratory of Cyto-molecular Genetics, Department of Anatomy, All India Institute of Medical Sciences (AIIMS), New Delhi); PubMed 9199930 (cited by Institute of Human Genetics Munich, TUM University Hospital).

NM_000444.6(PHEX):c.1601C>T (p.Pro534Leu)

Gene: PHEX (phosphate regulating endopeptidase X-linked; plus strand). Cytogenetic location: Xp22.11.
Variant type: single nucleotide variant.
Coding change: c.1601C>T on transcript NM_000444.6 (MANE Select); coding-DNA position 1601, C replaced by T.
Protein change: p.Pro534Leu; replaces proline 534 with leucine.
Molecular consequence: missense variant.
Genome position (GRCh38, 1-based): chrX:22,190,458, C>T. VCF-style: chrX-22190458-C-T. GRCh37 (hg19) VCF-style: chrX-22208575-C-T.
Other names: c.1601C>T, p.Pro534Leu (NM_001282754.2); short protein forms P534L.
Identifiers: ClinVar variation 280076 (VCV000280076.16), dbSNP rs886041363, ClinGen allele CA10603575.